The following is an entry in ClinVar:

ClinVar aggregate classification (germline): Uncertain significance. Review status: criteria provided, multiple submitters, no conflicts (2 of 4 stars). 2 submissions from 2 submitters: Uncertain significance (2). Last evaluated 2024-01-05.

Conditions:
Hereditary cancer-predisposing syndrome. Also called: Neoplastic Syndromes, Hereditary; Tumor predisposition; Hereditary Cancer Syndrome; Hereditary neoplastic syndrome. Identifiers: Orphanet 140162, MedGen C0027672, MeSH D009386, MONDO:0015356.
Carney complex, type 1 (CNC1). Also called: CARNEY COMPLEX, TYPE I; CARNEY MYXOMA-ENDOCRINE COMPLEX. Identifiers: Orphanet 1359, MedGen C2607929, MONDO:0008057, OMIM 160980.

Submissions (2):

Labcorp Genetics (formerly Invitae), Labcorp
Classification: Uncertain significance for Carney complex, type 1. Last evaluated: 2024-01-05. Review status: criteria provided, single submitter. Criteria: Invitae Variant Classification Sherloc (09022015). Collection method: clinical testing. Allele origin: germline.
Comment: This sequence change replaces leucine, which is neutral and non-polar, with isoleucine, which is neutral and non-polar, at codon 20 of the PRKAR1A protein (p.Leu20Ile). This variant is not present in population databases (gnomAD no frequency). This variant has not been reported in the literature in individuals affected with PRKAR1A-related conditions. Algorithms developed to predict the effect of missense changes on protein structure and function output the following: SIFT: "Not Available"; PolyPhen-2: "Benign"; Align-GVGD: "Not Available". The isoleucine amino acid residue is found in multiple mammalian species, which suggests that this missense change does not adversely affect protein function. In summary, the available evidence is currently insufficient to determine the role of this variant in disease. Therefore, it has been classified as a Variant of Uncertain Significance.

Ambry Genetics
Classification: Uncertain significance for Hereditary cancer-predisposing syndrome. Last evaluated: 2023-12-01. Review status: criteria provided, single submitter. Criteria: Ambry Variant Classification Scheme 2023. Collection method: clinical testing. Allele origin: germline.
Comment: The p.L20I variant (also known as c.58C>A), located in coding exon 1 of the PRKAR1A gene, results from a C to A substitution at nucleotide position 58. The leucine at codon 20 is replaced by isoleucine, an amino acid with highly similar properties. This amino acid position is conserved. In addition, this alteration is predicted to be tolerated by in silico analysis. Since supporting evidence is limited at this time, the clinical significance of this alteration remains unclear.

NM_002734.5(PRKAR1A):c.58C>A (p.Leu20Ile)

Gene: PRKAR1A (protein kinase cAMP-dependent type I regulatory subunit alpha; plus strand). Cytogenetic location: 17q24.2.
Variant type: single nucleotide variant.
Coding change: c.58C>A on transcript NM_002734.5 (MANE Select); coding-DNA position 58, C replaced by A.
Protein change: p.Leu20Ile; replaces leucine 20 with isoleucine.
Molecular consequence: missense variant.
Genome position (GRCh38, 1-based): chr17:68,515,457, C>A. VCF-style: chr17-68515457-C-A. GRCh37 (hg19) VCF-style: chr17-66511598-C-A.
Other names: c.58C>A, p.Leu20Ile (NM_001276289.2, NM_001276290.1, NM_001278433.2 and 4 more transcripts); c.58C>A (NM_002734.3); short protein forms L20I.
Identifiers: ClinVar variation 2707745 (VCV002707745.4), dbSNP rs2509357857, ClinGen allele CA400751879.